The following is an entry in ClinVar:

NM_004656.4(BAP1):c.1174C>G (p.Gln392Glu)

Gene: BAP1 (BRCA1 associated deubiquitinase 1; minus strand). Cytogenetic location: 3p21.1.
Variant type: single nucleotide variant.
Coding change: c.1174C>G on transcript NM_004656.4 (MANE Select); coding-DNA position 1174, C replaced by G.
Protein change: p.Gln392Glu; replaces glutamine 392 with glutamic acid.
Molecular consequence: missense variant.
Genome position (GRCh38, 1-based): chr3:52,404,529, G>C on the plus strand (C>G on the coding strand, the complement: BAP1 is on the minus strand). VCF-style: chr3-52404529-G-C. GRCh37 (hg19) VCF-style: chr3-52438545-G-C.
Other names: c.1120C>G, p.Gln374Glu (NM_001410772.1); short protein forms Q374E, Q392E.
Identifiers: ClinVar variation 3224424 (VCV003224424.1), dbSNP rs1553645146, ClinGen allele CA353103213.

ClinVar aggregate classification (germline): Uncertain significance (1 of 4 stars; one submission).

Conditions:
Hereditary cancer-predisposing syndrome. Also called: Tumor predisposition; Hereditary neoplastic syndrome; Hereditary Cancer Syndrome; Neoplastic Syndromes, Hereditary. Identifiers: Orphanet 140162, MedGen C0027672, MeSH D009386, MONDO:0015356.

Submission:

Ambry Genetics
Classification: Uncertain significance for Hereditary cancer-predisposing syndrome. Last evaluated: 2023-12-14. Review status: criteria provided, single submitter. Criteria: Ambry Variant Classification Scheme 2023. Collection method: clinical testing. Allele origin: germline.
Comment: The p.Q392E variant (also known as c.1174C>G), located in coding exon 12 of the BAP1 gene, results from a C to G substitution at nucleotide position 1174. The glutamine at codon 392 is replaced by glutamic acid, an amino acid with highly similar properties. This amino acid position is conserved. In addition, this alteration is predicted to be tolerated by in silico analysis. Since supporting evidence is limited at this time, the clinical significance of this alteration remains unclear.